The following is an entry in ClinVar:

ClinVar aggregate classification (germline): Likely benign. Review status: criteria provided, multiple submitters, no conflicts (2 of 4 stars). 3 submissions from 3 submitters: Likely benign (3). Last evaluated 2026-03-01.

Conditions:
Inborn genetic diseases. Identifiers: MedGen C0950123, MeSH D030342.
Alpha thalassemia-X-linked intellectual disability syndrome (ATRX). Also called: ALPHA-THALASSEMIA/MENTAL RETARDATION SYNDROME, X-LINKED; ATR, NONDELETION TYPE; ALPHA-THALASSEMIA/IMPAIRED INTELLECTUAL DEVELOPMENT SYNDROME, X-LINKED; X-linked alpha-thalassemia-mental retardation syndrome; ATR-X syndrome; Alpha thalassemia mental retardation syndrome, nondeletion type, X-linked. Identifiers: Orphanet 847, MedGen C1845055, MONDO:0010519, OMIM 301040.

Allele frequency attached by ClinVar (database versions not stated): gnomAD exomes 0.00007 and 0.00001; TOPMed 0.00026; ExAC 0.00010; gnomAD 0.00019 and 0.00021; ESP Exome Variant Server 0.00047.
gnomAD v4.1: 39 of 1,209,383 alleles (0.0032%); highest among the groups gnomAD compares: African/African-American, 0.052%; no homozygotes.

Submissions (3):

CeGaT Center for Human Genetics Tuebingen
Classification: Likely benign. Last evaluated: 2026-03-01. Review status: criteria provided, single submitter. Criteria: CeGaT Center For Human Genetics Tuebingen Variant Classification Criteria Version 2. Collection method: clinical testing. Allele origin: germline. Affected: yes. Observed: 1 variant allele.
Comment: ATRX: BP4, BP7, BS2

Labcorp Genetics (formerly Invitae), Labcorp
Classification: Likely benign for Alpha thalassemia-X-linked intellectual disability syndrome. Last evaluated: 2025-08-20. Review status: criteria provided, single submitter. Criteria: Invitae Variant Classification Sherloc (09022015). Collection method: clinical testing. Allele origin: germline.

Ambry Genetics
Classification: Likely benign for Inborn genetic diseases. Last evaluated: 2019-12-20. Review status: criteria provided, single submitter. Criteria: Ambry Variant Classification Scheme 2023. Collection method: clinical testing. Allele origin: germline.

NM_000489.6(ATRX):c.3987A>G (p.Glu1329=)

Gene: ATRX (ATRX chromatin remodeler; minus strand). Cytogenetic location: Xq21.1.
Variant type: single nucleotide variant.
Coding change: c.3987A>G on transcript NM_000489.6 (MANE Select); coding-DNA position 3987, A replaced by G.
Protein change: p.Glu1329=; no amino-acid change (glutamic acid 1329 retained).
Molecular consequence: synonymous variant.
Genome position (GRCh38, 1-based): chrX:77,663,515, T>C on the plus strand (A>G on the coding strand, the complement: ATRX is on the minus strand). VCF-style: chrX-77663515-T-C. GRCh37 (hg19) VCF-style: chrX-76919004-T-C.
Other names: c.3873A>G, p.Glu1291= (NM_138270.5).
Identifiers: ClinVar variation 533648 (VCV000533648.17), dbSNP rs147160114, ClinGen allele CA10457860.